The following is an entry in ClinVar:

NM_014669.5(NUP93):c.910C>T (p.Pro304Ser)

Gene: NUP93 (nucleoporin 93; plus strand). Cytogenetic location: 16q13.
Variant type: single nucleotide variant.
Coding change: c.910C>T on transcript NM_014669.5 (MANE Select); coding-DNA position 910, C replaced by T.
Protein change: p.Pro304Ser; replaces proline 304 with serine.
Molecular consequence: missense variant.
Genome position (GRCh38, 1-based): chr16:56,829,092, C>T. VCF-style: chr16-56829092-C-T. GRCh37 (hg19) VCF-style: chr16-56863004-C-T.
Other names: c.541C>T, p.Pro181Ser (NM_001242795.2, NM_001242796.2); short protein forms P181S, P304S.
Identifiers: ClinVar variation 1310508 (VCV001310508.6), dbSNP rs971247149, ClinGen allele CA281495773.

ClinVar aggregate classification (germline): Uncertain significance. Review status: criteria provided, multiple submitters, no conflicts (2 of 4 stars). 3 submissions from 3 submitters: Uncertain significance (3). Last evaluated 2023-11-22.

Conditions:
Nephrotic syndrome, type 12 (NPHS12). Identifiers: Orphanet 656, MedGen C4225166, MONDO:0014817, OMIM 616892.

Allele frequency attached by ClinVar (database versions not stated): gnomAD exomes below 0.00001 and 0.00001; gnomAD 0.00001; TOPMed 0.00002.

Submissions (3):

Labcorp Genetics (formerly Invitae), Labcorp
Classification: Uncertain significance. Last evaluated: 2023-11-22. Review status: criteria provided, single submitter. Criteria: Invitae Variant Classification Sherloc (09022015). Collection method: clinical testing. Allele origin: germline.
Comment: This sequence change replaces proline, which is neutral and non-polar, with serine, which is neutral and polar, at codon 304 of the NUP93 protein (p.Pro304Ser). This variant is present in population databases (no rsID available, gnomAD 0.002%). This variant has not been reported in the literature in individuals affected with NUP93-related conditions. ClinVar contains an entry for this variant (Variation ID: 1310508). Advanced modeling of protein sequence and biophysical properties (such as structural, functional, and spatial information, amino acid conservation, physicochemical variation, residue mobility, and thermodynamic stability) performed at Invitae indicates that this missense variant is not expected to disrupt NUP93 protein function with a negative predictive value of 80%. In summary, the available evidence is currently insufficient to determine the role of this variant in disease. Therefore, it has been classified as a Variant of Uncertain Significance.

Fulgent Genetics
Classification: Uncertain significance for Nephrotic syndrome, type 12. Last evaluated: 2022-02-18. Review status: criteria provided, single submitter. Criteria: ACMG Guidelines, 2015. Collection method: clinical testing. Allele origin: unknown.

GeneDx
Classification: Uncertain significance. Last evaluated: 2019-11-26. Review status: criteria provided, single submitter. Criteria: GeneDx Variant Classification Process June 2021. Collection method: clinical testing. Allele origin: germline. Affected: yes.
Comment: Not observed at a significant frequency in large population cohorts (Lek et al., 2016); In silico analysis, which includes protein predictors and evolutionary conservation, supports that this variant does not alter protein structure/function; Has not been previously published as pathogenic or benign to our knowledge